The following is an entry in ClinVar:

NM_052947.4(ALPK2):c.2972C>T (p.Thr991Ile)

Gene: ALPK2 (alpha kinase 2; minus strand). Cytogenetic location: 18q21.31.
Variant type: single nucleotide variant.
Coding change: c.2972C>T on transcript NM_052947.4 (MANE Select); coding-DNA position 2972, C replaced by T.
Protein change: p.Thr991Ile; replaces threonine 991 with isoleucine.
Molecular consequence: missense variant.
Genome position (GRCh38, 1-based): chr18:58,537,215, G>A on the plus strand (C>T on the coding strand, the complement: ALPK2 is on the minus strand). VCF-style: chr18-58537215-G-A. GRCh37 (hg19) VCF-style: chr18-56204447-G-A.
Other names: short protein forms T991I.
Identifiers: ClinVar variation 1798300 (VCV001798300.2), dbSNP rs1436592139, ClinGen allele CA402569379.

ClinVar aggregate classification (germline): Uncertain significance (1 of 4 stars; one submission).

Submission:

Ambry Genetics
Classification: Uncertain significance. Last evaluated: 2022-02-12. Review status: criteria provided, single submitter. Criteria: Ambry Variant Classification Scheme 2023. Collection method: clinical testing. Allele origin: germline.
Comment: The p.T991I variant (also known as c.2972C>T), located in coding exon 4 of the ALPK2 gene, results from a C to T substitution at nucleotide position 2972. The threonine at codon 991 is replaced by isoleucine, an amino acid with similar properties. This amino acid position is conserved. In addition, this alteration is predicted to be tolerated by in silico analysis. Since supporting evidence is limited at this time, the clinical significance of this alteration remains unclear.